The following is an entry in ClinVar:

NM_000789.4(ACE):c.1057G>A (p.Asp353Asn)

Gene: ACE (angiotensin I converting enzyme; plus strand). Cytogenetic location: 17q23.3.
Variant type: single nucleotide variant.
Coding change: c.1057G>A on transcript NM_000789.4 (MANE Select); coding-DNA position 1057, G replaced by A.
Protein change: p.Asp353Asn; replaces aspartic acid 353 with asparagine.
Molecular consequence: missense variant.
Genome position (GRCh38, 1-based): chr17:63,481,677, G>A. VCF-style: chr17-63481677-G-A. GRCh37 (hg19) VCF-style: chr17-61559038-G-A.
Other names: short protein forms D353N.
Identifiers: ClinVar variation 713533 (VCV000713533.11), dbSNP rs148193919, ClinGen allele CA8699369.

ClinVar aggregate classification (germline): Conflicting classifications of pathogenicity. Review status: criteria provided, conflicting classifications (1 of 4 stars). 3 submissions from 3 submitters: Uncertain significance (1); Likely benign (1). 1 of the submissions does not count toward it. Last evaluated 2025-12-24.

Conditions:
ACE-related disorder. Also called: ACE-related condition; ACE-related disorders.

Allele frequency attached by ClinVar (database versions not stated): ESP Exome Variant Server 0.00008; gnomAD exomes 0.00012 and 0.00051; gnomAD 0.00022 and 0.00025; TOPMed 0.00034; ExAC 0.00050; 1000 Genomes Project 30x 0.00078; 1000 Genomes Project 0.00100.
gnomAD v4.1: 255 of 1,614,058 alleles (0.016%); highest among the groups gnomAD compares: East Asian, 0.32%; 1 homozygote.

Submissions (3):

Labcorp Genetics (formerly Invitae), Labcorp
Classification: Likely benign. Last evaluated: 2025-12-24. Review status: criteria provided, single submitter. Criteria: Invitae Variant Classification Sherloc (09022015). Collection method: clinical testing. Allele origin: germline.

GeneDx
Classification: Uncertain significance. Last evaluated: 2024-05-22. Review status: criteria provided, single submitter. Criteria: GeneDx Variant Classification Process June 2021. Collection method: clinical testing. Allele origin: germline. Affected: yes.
Comment: In silico analysis supports that this missense variant has a deleterious effect on protein structure/function; Has not been previously published as pathogenic or benign to our knowledge

PreventionGenetics, part of Exact Sciences
Classification: Likely benign for ACE-related condition. Last evaluated: 2020-07-14. Review status: no assertion criteria provided. Collection method: clinical testing. Allele origin: germline. Not counted in ClinVar's aggregate classification.
Comment: This variant is classified as likely benign based on ACMG/AMP sequence variant interpretation guidelines (Richards et al. 2015 PMID: 25741868, with internal and published modifications).